The following is an entry in ClinVar:

ClinVar aggregate classification (germline): Likely benign (1 of 4 stars; one submission).

Allele frequency attached by ClinVar (database versions not stated): ExAC 0.00005; gnomAD 0.00008; TOPMed 0.00008.
gnomAD v4.1: 79 of 1,587,654 alleles (0.005%); highest among the groups gnomAD compares: African/African-American, 0.043%; no homozygotes.

Submission:

CeGaT Center for Human Genetics Tuebingen
Classification: Likely benign. Last evaluated: 2022-09-01. Review status: criteria provided, single submitter. Criteria: CeGaT Center For Human Genetics Tuebingen Variant Classification Criteria Version 2. Collection method: clinical testing. Allele origin: germline. Affected: yes. Observed: 1 variant allele.
Comment: RPS6KA4: BP4, BP7

NM_003942.3(RPS6KA4):c.1995C>T (p.Leu665=)

Gene: RPS6KA4 (ribosomal protein S6 kinase A4; plus strand). Cytogenetic location: 11q13.1.
Variant type: single nucleotide variant.
Coding change: c.1995C>T on transcript NM_003942.3 (MANE Select); coding-DNA position 1995, C replaced by T.
Protein change: p.Leu665=; no amino-acid change (leucine 665 retained).
Molecular consequence: synonymous variant.
Genome position (GRCh38, 1-based): chr11:64,370,600, C>T. VCF-style: chr11-64370600-C-T. GRCh37 (hg19) VCF-style: chr11-64138072-C-T.
Other names: c.1977C>T, p.Leu659= (NM_001006944.2); c.1974C>T, p.Leu658= (NM_001300802.2); c.1806C>T, p.Leu602= (NM_001318361.2).
Identifiers: ClinVar variation 2641924 (VCV002641924.24), dbSNP rs371474786, ClinGen allele CA6076222.